The following is an entry in ClinVar:

NM_000553.6(WRN):c.3148T>C (p.Trp1050Arg)

Gene: WRN (WRN RecQ like helicase; plus strand). Cytogenetic location: 8p12.
Variant type: single nucleotide variant.
Coding change: c.3148T>C on transcript NM_000553.6 (MANE Select); coding-DNA position 3148, T replaced by C.
Protein change: p.Trp1050Arg; replaces tryptophan 1050 with arginine.
Molecular consequence: missense variant.
Genome position (GRCh38, 1-based): chr8:31,141,690, T>C. VCF-style: chr8-31141690-T-C. GRCh37 (hg19) VCF-style: chr8-30999206-T-C.
Other names: short protein forms W1050R.
Identifiers: ClinVar variation 458443 (VCV000458443.5), dbSNP rs777537726, ClinGen allele CA4704952.

ClinVar aggregate classification (germline): Uncertain significance (1 of 4 stars; one submission).

Conditions:
Werner syndrome (WRN). Identifiers: Orphanet 902, MedGen C0043119, MONDO:0010196, OMIM 277700.

Allele frequency attached by ClinVar (database versions not stated): gnomAD exomes below 0.00001; TOPMed below 0.00001; ExAC 0.00001.
gnomAD v4.1: 1 of 1,614,190 alleles (0.000062%); highest among the groups gnomAD compares: Non-Finnish European, 0.000085%; no homozygotes.

Submission:

Labcorp Genetics (formerly Invitae), Labcorp
Classification: Uncertain significance for Werner syndrome. Last evaluated: 2023-01-23. Review status: criteria provided, single submitter. Criteria: Invitae Variant Classification Sherloc (09022015). Collection method: clinical testing. Allele origin: germline.
Comment: This sequence change replaces tryptophan, which is neutral and slightly polar, with arginine, which is basic and polar, at codon 1050 of the WRN protein (p.Trp1050Arg). This variant is present in population databases (rs777537726, gnomAD 0.0009%). In summary, the available evidence is currently insufficient to determine the role of this variant in disease. Therefore, it has been classified as a Variant of Uncertain Significance. An algorithm developed to predict the effect of missense changes on protein structure and function (PolyPhen-2) suggests that this variant is likely to be disruptive. ClinVar contains an entry for this variant (Variation ID: 458443). This variant has not been reported in the literature in individuals affected with WRN-related conditions.